The following is an entry in ClinVar:

ClinVar aggregate classification (germline): Uncertain significance (1 of 4 stars; one submission).

Submission:

Labcorp Genetics (formerly Invitae), Labcorp
Classification: Uncertain significance. Last evaluated: 2022-07-06. Review status: criteria provided, single submitter. Criteria: Invitae Variant Classification Sherloc (09022015). Collection method: clinical testing. Allele origin: germline.
Comment: This sequence change replaces serine, which is neutral and polar, with threonine, which is neutral and polar, at codon 1259 of the ERCC6 protein (p.Ser1259Thr). This variant is not present in population databases (gnomAD no frequency). This variant has not been reported in the literature in individuals affected with ERCC6-related conditions. Algorithms developed to predict the effect of missense changes on protein structure and function are either unavailable or do not agree on the potential impact of this missense change (SIFT: "Deleterious"; PolyPhen-2: "Benign"; Align-GVGD: "Class C55"). In summary, the available evidence is currently insufficient to determine the role of this variant in disease. Therefore, it has been classified as a Variant of Uncertain Significance.

NM_000124.4(ERCC6):c.3775T>A (p.Ser1259Thr)

Gene: ERCC6 (ERCC excision repair 6, chromatin remodeling factor; minus strand). Cytogenetic location: 10q11.23.
Variant type: single nucleotide variant.
Coding change: c.3775T>A on transcript NM_000124.4 (MANE Select); coding-DNA position 3775, T replaced by A.
Protein change: p.Ser1259Thr; replaces serine 1259 with threonine.
Molecular consequence: missense variant.
Genome position (GRCh38, 1-based): chr10:49,470,185, A>T on the plus strand (T>A on the coding strand, the complement: ERCC6 is on the minus strand). VCF-style: chr10-49470185-A-T. GRCh37 (hg19) VCF-style: chr10-50678231-A-T.
Other names: c.3775T>A, p.Ser1259Thr (NM_001346440.2); short protein forms S1259T.
Identifiers: ClinVar variation 1971335 (VCV001971335.5), dbSNP rs2495970287, ClinGen allele CA376712273.